The following is an entry in ClinVar:

ClinVar aggregate classification (germline): Likely benign. Review status: criteria provided, single submitter (1 of 4 stars). 2 submissions from 2 submitters: Likely benign (1). 1 of the submissions does not count toward it. Last evaluated 2021-03-09.

Conditions:
PEX12-related disorder. Also called: PEX12-related disorders; PEX12-related condition.
Peroxisome biogenesis disorder 3A (Zellweger). Also called: PEROXISOMAL BIOGENESIS DISORDER 3A (ZELLWEGER); Peroxisome biogenesis disorder 3A. Identifiers: Orphanet 912, MedGen C3553929, MONDO:0013927, OMIM 614859.

Allele frequency attached by ClinVar (database versions not stated): gnomAD exomes below 0.00001 and 0.00001; TOPMed below 0.00001.

Submissions (2):

Labcorp Genetics (formerly Invitae), Labcorp
Classification: Likely benign for Peroxisome biogenesis disorder 3A (Zellweger). Last evaluated: 2021-03-09. Review status: criteria provided, single submitter. Criteria: Invitae Variant Classification Sherloc (09022015). Collection method: clinical testing. Allele origin: germline.

PreventionGenetics, part of Exact Sciences
Classification: Likely benign for PEX12-related condition. Last evaluated: 2024-01-04. Review status: no assertion criteria provided. Collection method: clinical testing. Allele origin: germline. Not counted in ClinVar's aggregate classification.
Comment: This variant is classified as likely benign based on ACMG/AMP sequence variant interpretation guidelines (Richards et al. 2015 PMID: 25741868, with internal and published modifications).

NM_000286.3(PEX12):c.547C>T (p.Leu183=)

Gene: PEX12 (peroxisomal biogenesis factor 12; minus strand). Cytogenetic location: 17q12.
Variant type: single nucleotide variant.
Coding change: c.547C>T on transcript NM_000286.3 (MANE Select); coding-DNA position 547, C replaced by T.
Protein change: p.Leu183=; no amino-acid change (leucine 183 retained).
Molecular consequence: synonymous variant.
Genome position (GRCh38, 1-based): chr17:35,577,171, G>A on the plus strand (C>T on the coding strand, the complement: PEX12 is on the minus strand). VCF-style: chr17-35577171-G-A. GRCh37 (hg19) VCF-style: chr17-33904190-G-A.
Other names: c.547C>T (NM_000286.2).
Identifiers: ClinVar variation 1636770 (VCV001636770.10), dbSNP rs1230959859, ClinGen allele CA499795236.
Genomic context (GRCh38, chr17:35,577,171, plus strand): 5'-GTCGACCTAGCTGAACTCCAGCCAGCCTCAGCAGTGGTGAGTGATGCTGAGCTTTTCCTA[G>A]GATGTATCGAAGTTGTTGTACAAGAAACCATCCTTCCCAGGCCATGTTCACAAATGGGTA-3'
Protein context (NP_000277.1, residues 173-193): WFLVQQLRYI[Leu183=]GKAQHHSPLL